The following is an entry in ClinVar:

NM_003835.4(RGS9):c.976+4G>A

Gene: RGS9 (regulator of G protein signaling 9; plus strand). Cytogenetic location: 17q24.1.
Variant type: single nucleotide variant.
Coding change: c.976+4G>A on transcript NM_003835.4 (MANE Select); 4 bases into the intron after coding-DNA position 976, G replaced by A.
Molecular consequence: intron variant.
Genome position (GRCh38, 1-based): chr17:65,197,245, G>A. VCF-style: chr17-65197245-G-A. GRCh37 (hg19) VCF-style: chr17-63193363-G-A.
Other names: c.967+4G>A (NM_001081955.3, NM_001165933.2).
Identifiers: ClinVar variation 1927933 (VCV001927933.5), dbSNP rs1007332804, ClinGen allele CA985526689.

ClinVar aggregate classification (germline): Uncertain significance (1 of 4 stars; one submission).

gnomAD v4.1: 4 of 1,575,360 alleles (0.00025%); highest among the groups gnomAD compares: African/African-American, 0.0054%; no homozygotes.

Submission:

Labcorp Genetics (formerly Invitae), Labcorp
Classification: Uncertain significance. Last evaluated: 2024-10-28. Review status: criteria provided, single submitter. Criteria: Invitae Variant Classification Sherloc (09022015). Collection method: clinical testing. Allele origin: germline.
Comment: This sequence change falls in intron 13 of the RGS9 gene. It does not directly change the encoded amino acid sequence of the RGS9 protein. It affects a nucleotide within the consensus splice site. This variant is not present in population databases (gnomAD no frequency). This variant has not been reported in the literature in individuals affected with RGS9-related conditions. ClinVar contains an entry for this variant (Variation ID: 1927933). Variants that disrupt the consensus splice site are a relatively common cause of aberrant splicing (PMID: 17576681, 9536098). Algorithms developed to predict the effect of sequence changes on RNA splicing suggest that this variant is not likely to affect RNA splicing. In summary, the available evidence is currently insufficient to determine the role of this variant in disease. Therefore, it has been classified as a Variant of Uncertain Significance.

Literature cited by the submitters: PubMed 17576681; PubMed 9536098.